The following is an entry in ClinVar:

ClinVar aggregate classification (germline): Conflicting classifications of pathogenicity. Review status: criteria provided, conflicting classifications (1 of 4 stars). 2 submissions from 2 submitters: Likely pathogenic (1); Uncertain significance (1). Last evaluated 2026-06-23.

Conditions:
Primary ciliary dyskinesia 9. Also called: CILIARY DYSKINESIA, PRIMARY, 9, WITH OR WITHOUT SITUS INVERSUS. Identifiers: Orphanet 244, MedGen C2676235, MONDO:0012906, OMIM 612444.
Primary ciliary dyskinesia. Also called: Ciliary dyskinesia. Identifiers: Orphanet 244, MedGen C0008780, MONDO:0016575, HP:0012265.

Allele frequency attached by ClinVar (database versions not stated): gnomAD exomes below 0.00001.
gnomAD v4.1: 1 of 1,614,170 alleles (0.000062%); highest among the groups gnomAD compares: African/African-American, 0.0013%; no homozygotes.

Submissions (2):

Myriad Genetics, Inc.
Classification: Uncertain significance for Primary ciliary dyskinesia 9. Last evaluated: 2026-06-23. Review status: criteria provided, single submitter. Criteria: Myriad Autosomal Dominant, Autosomal Recessive and X-Linked Classification Criteria (2023). Collection method: clinical testing. Allele origin: unknown.
Comment: NM_023036.4(DNAI2):c.184-1G>A is a variant in a canonical splice site classified as a variant of uncertain significance in the context of primary ciliary dyskinesia, DNAI2-related. c.184-1G>A has not been observed in cases with relevant disease. Relevant functional assessments of this variant are not available in the literature. c.184-1G>A has not been observed in referenced population frequency databases. In summary, there is insufficient evidence to classify NM_023036.4(DNAI2):c.184-1G>A as pathogenic or benign. Please note: this variant was assessed in the context of healthy population screening.

Labcorp Genetics (formerly Invitae), Labcorp
Classification: Likely pathogenic for Primary ciliary dyskinesia. Last evaluated: 2023-02-16. Review status: criteria provided, single submitter. Criteria: Invitae Variant Classification Sherloc (09022015). Collection method: clinical testing. Allele origin: germline.
Comment: This sequence change affects an acceptor splice site in intron 2 of the DNAI2 gene. It is expected to disrupt RNA splicing. Variants that disrupt the donor or acceptor splice site typically lead to a loss of protein function (PMID: 16199547), and loss-of-function variants in DNAI2 are known to be pathogenic (PMID: 18950741, 23891469). In summary, the currently available evidence indicates that the variant is pathogenic, but additional data are needed to prove that conclusively. Therefore, this variant has been classified as Likely Pathogenic. This variant is not present in population databases (gnomAD no frequency). This variant has not been reported in the literature in individuals affected with DNAI2-related conditions. ClinVar contains an entry for this variant (Variation ID: 651115). Algorithms developed to predict the effect of sequence changes on RNA splicing suggest that this variant may disrupt the consensus splice site.

Literature cited by the submitters: PubMed 16199547 (cited by Labcorp Genetics (formerly Invitae), Labcorp); PubMed 18950741 (cited by Labcorp Genetics (formerly Invitae), Labcorp); PubMed 23891469 (cited by Labcorp Genetics (formerly Invitae), Labcorp).

NM_023036.6(DNAI2):c.184-1G>A

Gene: DNAI2 (dynein axonemal intermediate chain 2; plus strand). Cytogenetic location: 17q25.1.
Variant type: single nucleotide variant.
Coding change: c.184-1G>A on transcript NM_023036.6 (MANE Select); the canonical splice acceptor site of the intron before coding-DNA position 184, G replaced by A.
Molecular consequence: splice acceptor variant.
Genome position (GRCh38, 1-based): chr17:74,285,039, G>A. VCF-style: chr17-74285039-G-A. GRCh37 (hg19) VCF-style: chr17-72281178-G-A.
Other names: c.184-1G>A (NM_001353167.2, NM_001172810.3).
Identifiers: ClinVar variation 651115 (VCV000651115.10), dbSNP rs1598278059, ClinGen allele CA400903575.